The following is an entry in ClinVar:

NM_000350.3(ABCA4):c.3670T>G (p.Cys1224Gly)

Genes: ABCA4 (ATP binding cassette subfamily A member 4; minus strand), LOC126805794 (BRD4-independent group 4 enhancer GRCh37_chr1:94502188-94503387; plus strand). Cytogenetic location: 1p22.1.
Variant type: single nucleotide variant.
Coding change: c.3670T>G on transcript NM_000350.3 (MANE Select); coding-DNA position 3670, T replaced by G.
Protein change: p.Cys1224Gly; replaces cysteine 1224 with glycine.
Molecular consequence: missense variant.
Genome position (GRCh38, 1-based): chr1:94,037,288, A>C on the plus strand (T>G on the coding strand, the complement: ABCA4 is on the minus strand). VCF-style: chr1-94037288-A-C. GRCh37 (hg19) VCF-style: chr1-94502844-A-C.
Other names: c.3448T>G, p.Cys1150Gly (NM_001425324.1); short protein forms C1224G, C1150G.
Identifiers: ClinVar variation 298247 (VCV000298247.18), dbSNP rs762213896, ClinGen allele CA957853.

ClinVar aggregate classification (germline): Uncertain significance. Review status: criteria provided, multiple submitters, no conflicts (2 of 4 stars). 5 submissions from 5 submitters: Uncertain significance (5). Last evaluated 2025-07-15.

Conditions:
Age related macular degeneration 2. Also called: MACULOPATHY, AGE-RELATED; MACULAR DEGENERATION, SENILE; MACULOPATHY, AGE-RELATED, 2. Identifiers: MedGen C3495438, MONDO:0007932, OMIM 153800.
ABCA4-related disorder. Also called: ABCA4-related disorders; ABCA4-related condition. Identifiers: MedGen CN239167.

Allele frequency attached by ClinVar (database versions not stated): gnomAD exomes 0.00001; ExAC 0.00002; TOPMed 0.00002; gnomAD 0.00003.
gnomAD v4.1: 21 of 1,613,860 alleles (0.0013%); highest among the groups gnomAD compares: Middle Eastern, 0.016%; no homozygotes.

Submissions (5):

Women's Health and Genetics/Laboratory Corporation of America, LabCorp
Classification: Uncertain significance. Last evaluated: 2025-07-15. Review status: criteria provided, single submitter. Criteria: LabCorp Variant Classification Summary - May 2015. Collection method: clinical testing. Allele origin: germline.
Comment: Variant summary: ABCA4 c.3670T>G (p.Cys1224Gly) results in a non-conservative amino acid change in the encoded protein sequence. Algorithms developed to predict the effect of missense changes on protein structure and function are either unavailable or do not agree on the potential impact of this missense change. The variant allele was found at a frequency of 1.2e-05 in 251236 control chromosomes (gnomAD). The available data on variant occurrences in the general population are insufficient to allow any conclusion about variant significance. c.3670T>G has been observed in one individual affected with Stargardt disease (Cornelis_2022). The report does not provide unequivocal conclusions about association of the variant with Retinitis Pigmentosa. To our knowledge, no experimental evidence demonstrating an impact on protein function has been reported. The following publication have been ascertained in the context of this evaluation (PMID: 35120629). ClinVar contains an entry for this variant (Variation ID: 298247). Based on the evidence outlined above, the variant was classified as uncertain significance.

Labcorp Genetics (formerly Invitae), Labcorp
Classification: Uncertain significance. Last evaluated: 2023-10-03. Review status: criteria provided, single submitter. Criteria: Invitae Variant Classification Sherloc (09022015). Collection method: clinical testing. Allele origin: germline.
Comment: This sequence change replaces cysteine, which is neutral and slightly polar, with glycine, which is neutral and non-polar, at codon 1224 of the ABCA4 protein (p.Cys1224Gly). This variant is present in population databases (rs762213896, gnomAD 0.003%). This variant has not been reported in the literature in individuals affected with ABCA4-related conditions. ClinVar contains an entry for this variant (Variation ID: 298247). Advanced modeling of protein sequence and biophysical properties (such as structural, functional, and spatial information, amino acid conservation, physicochemical variation, residue mobility, and thermodynamic stability) performed at Invitae indicates that this missense variant is not expected to disrupt ABCA4 protein function. In summary, the available evidence is currently insufficient to determine the role of this variant in disease. Therefore, it has been classified as a Variant of Uncertain Significance.

Blueprint Genetics
Classification: Uncertain significance. Last evaluated: 2023-04-12. Review status: criteria provided, single submitter. Criteria: ACMG Guidelines, 2015. Collection method: clinical testing. Allele origin: germline.

Centre for Mendelian Genomics, University Medical Centre Ljubljana
Classification: Uncertain significance for Age related macular degeneration 2. Last evaluated: 2019-06-27. Review status: criteria provided, single submitter. Criteria: ACMG Guidelines, 2015. Collection method: clinical testing. Allele origin: unknown. Affected: yes.
Comment: This variant was classified as: Uncertain significance. The available evidence favors the pathogenic nature of this variant, however the currently available data is insufficient to conclusively support its pathogenic nature. Thus this variant is classified as Uncertain significance - favor pathogenic. The following ACMG criteria were applied in classifying this variant: PM2,PP2,BP4.

Illumina Laboratory Services, Illumina
Classification: Uncertain significance for ABCA4-Related Disorders. Last evaluated: 2018-01-13. Review status: criteria provided, single submitter. Criteria: ICSL Variant Classification Criteria 13 December 2019. Collection method: clinical testing. Allele origin: germline.

Literature cited by the submitters: PubMed 35120629 (cited by Women's Health and Genetics/Laboratory Corporation of America, LabCorp).